The following is an entry in ClinVar:

ClinVar aggregate classification (germline): Likely pathogenic (1 of 4 stars; one submission).

Conditions:
Wiedemann-Steiner syndrome (WDSTS). Also called: Growth deficiency and mental retardation with facial dysmorphism. Identifiers: Orphanet 319182, MedGen C1854630, MONDO:0011518, OMIM 605130.

Submission:

3billion
Classification: Likely pathogenic for Wiedemann-Steiner syndrome. Review status: criteria provided, single submitter. Criteria: ACMG Guidelines, 2015. Collection method: clinical testing. Allele origin: unknown. Affected: yes. Observed: 1 heterozygote.
Comment: The splice variant is not observed in the gnomAD v2.1.1 dataset. This variant at canonical splice site is predicted to alter splicing and result in a loss or disruption of normal protein function. Multiple pathogenic loss-of-function variants are reported downstream of the variant. Therefore, this variant is classified as likely pathogenic according to the recommendation of ACMG/AMP guideline.

NM_001197104.2(KMT2A):c.6158+1del

Gene: KMT2A (lysine methyltransferase 2A; plus strand). Cytogenetic location: 11q23.3.
Variant type: Deletion.
Coding change: c.6158+1del on transcript NM_001197104.2 (MANE Select); the canonical splice donor site of the intron after coding-DNA position 6158, one base deleted (G; older notation c.6158+1delG).
Molecular consequence: splice donor variant.
Genome position (GRCh38, 1-based): chr11:118,499,914, G deleted. VCF-style (leftmost placement, unchanged base first): chr11-118499913-AG-A. GRCh37 (hg19) VCF-style: chr11-118370628-AG-A.
Other names: c.6248+1del (NM_001412597.1); c.6149+1del (NM_005933.4).
Identifiers: ClinVar variation 2572594 (VCV002572594.1), dbSNP rs2496973527, ClinGen allele CA2580615086.